The following is an entry in ClinVar:

ClinVar aggregate classification (germline): Uncertain significance (1 of 4 stars; one submission).

Submission:

Labcorp Genetics (formerly Invitae), Labcorp
Classification: Uncertain significance. Last evaluated: 2022-01-06. Review status: criteria provided, single submitter. Criteria: Invitae Variant Classification Sherloc (09022015). Collection method: clinical testing. Allele origin: germline.
Comment: Algorithms developed to predict the effect of missense changes on protein structure and function (SIFT, PolyPhen-2, Align-GVGD) all suggest that this variant is likely to be tolerated. In summary, the available evidence is currently insufficient to determine the role of this variant in disease. Therefore, it has been classified as a Variant of Uncertain Significance. This variant has not been reported in the literature in individuals affected with RTN4IP1-related conditions. This variant is not present in population databases (gnomAD no frequency). This sequence change replaces asparagine, which is neutral and polar, with serine, which is neutral and polar, at codon 89 of the RTN4IP1 protein (p.Asn89Ser).

NM_032730.5(RTN4IP1):c.266A>G (p.Asn89Ser)

Gene: RTN4IP1 (reticulon 4 interacting protein 1; minus strand). Cytogenetic location: 6q21.
Variant type: single nucleotide variant.
Coding change: c.266A>G on transcript NM_032730.5 (MANE Select); coding-DNA position 266, A replaced by G.
Protein change: p.Asn89Ser; replaces asparagine 89 with serine.
Molecular consequence: missense variant. On other transcripts: intron variant (1).
Genome position (GRCh38, 1-based): chr6:106,628,756, T>C on the plus strand (A>G on the coding strand, the complement: RTN4IP1 is on the minus strand). VCF-style: chr6-106628756-T-C. GRCh37 (hg19) VCF-style: chr6-107076631-T-C.
Other names: c.-27+1571A>G (NM_001318746.1); short protein forms N89S.
Identifiers: ClinVar variation 1396307 (VCV001396307.8), dbSNP rs2114690416, ClinGen allele CA365168361.